The following is an entry in ClinVar:

NC_000001.10:g.(237713992_237729866)_(237997289_?)dup

Gene: RYR2 (ryanodine receptor 2; plus strand). Cytogenetic location: 1q43.
Variant type: Duplication.
Identifiers: ClinVar variation 3907016 (VCV003907016.1).

ClinVar aggregate classification (germline): Uncertain significance (1 of 4 stars; one submission).

Submission:

Women's Health and Genetics/Laboratory Corporation of America, LabCorp
Classification: Uncertain significance. Last evaluated: 2025-06-18. Review status: criteria provided, single submitter. Criteria: LabCorp Variant Classification Summary - May 2015. Collection method: clinical testing. Allele origin: germline.
Comment: Variant summary: The variant involves the duplication of exons 28-105 in the RYR2 gene. A presumed nomenclature of c.(3214+1_3215-1)_(*1342_?)dup has been designated for the purposes of this classification. The exact breakpoint at the 3' end of this variant is unknown, therefore this duplication may extend downstream of the annotated region of the gene. As it duplicates the termination codon, its effect on the encoded protein is unknown. The variant was absent in 21692 control chromosomes. The available data on variant occurrences in the general population are insufficient to allow any conclusion about variant significance. To our knowledge, no occurrence of c.(3214+1_3215-1)_(*1342_?)dup in individuals affected with Catecholaminergic Polymorphic Ventricular Tachycardia and no experimental evidence demonstrating its impact on protein function have been reported. No submitters have cited clinical-significance assessments for this variant to ClinVar. Based on the evidence outlined above, the variant was classified as uncertain significance.